The following is an entry in ClinVar:

ClinVar aggregate classification (germline): Likely benign. Review status: criteria provided, single submitter (1 of 4 stars). 2 submissions from 2 submitters: Likely benign (1). 1 of the submissions does not count toward it.

Allele frequency attached by ClinVar (database versions not stated): ESP Exome Variant Server 0.01770; gnomAD exomes 0.01632 and 0.01820; 1000 Genomes Project 0.02196; 1000 Genomes Project 30x 0.02171; TOPMed 0.01656; gnomAD 0.01897 and 0.01875; ExAC 0.01932.
gnomAD v4.1: 26,468 of 1,598,146 alleles (1.7%); highest among the groups gnomAD compares: East Asian, 3.2%; 309 homozygotes.

Submissions (2):

Breakthrough Genomics
Classification: Likely benign. Review status: criteria provided, single submitter. Criteria: ACMG Guidelines, 2015. Collection method: not provided. Allele origin: germline. Inheritance: Autosomal dominant inheritance. Affected: yes.

Genetic Services Laboratory, University of Chicago
Classification: Likely benign for AllHighlyPenetrant. Review status: no assertion criteria provided. Collection method: clinical testing. Allele origin: germline. Inheritance: Autosomal dominant inheritance. Observed: 4 variant alleles. Not counted in ClinVar's aggregate classification.
Comment: Likely benign based on allele frequency in 1000 Genomes Project or ESP global frequency and its presence in a patient with a rare or unrelated disease phenotype. NOT Sanger confirmed.

NM_001374828.1(ARID1B):c.3235+21C>T

Gene: ARID1B (AT-rich interaction domain 1B; plus strand). Cytogenetic location: 6q25.3.
Variant type: single nucleotide variant.
Coding change: c.3235+21C>T on transcript NM_001374828.1 (MANE Select); 21 bases into the intron after coding-DNA position 3235, C replaced by T.
Molecular consequence: intron variant.
Genome position (GRCh38, 1-based): chr6:157,167,206, C>T. VCF-style: chr6-157167206-C-T. GRCh37 (hg19) VCF-style: chr6-157488340-C-T.
Other names: c.3025+21C>T (NM_020732.3); c.3274+21C>T (NM_001371656.1, NM_001374820.1); c.3235+21C>T (NM_017519.3); c.736+21C>T (NM_001363725.2).
Identifiers: ClinVar variation 126324 (VCV000126324.7), dbSNP rs9397998, ClinGen allele CA151048.